The following is an entry in ClinVar:

NM_003482.4(KMT2D):c.727T>G (p.Phe243Val)

Gene: KMT2D (lysine methyltransferase 2D; minus strand). Cytogenetic location: 12q13.12.
Variant type: single nucleotide variant.
Coding change: c.727T>G on transcript NM_003482.4 (MANE Select); coding-DNA position 727, T replaced by G.
Protein change: p.Phe243Val; replaces phenylalanine 243 with valine.
Molecular consequence: missense variant.
Genome position (GRCh38, 1-based): chr12:49,053,588, A>C on the plus strand (T>G on the coding strand, the complement: KMT2D is on the minus strand). VCF-style: chr12-49053588-A-C. GRCh37 (hg19) VCF-style: chr12-49447371-A-C.
Other names: short protein forms F243V.
Identifiers: ClinVar variation 3694493 (VCV003694493.2).

ClinVar aggregate classification (germline): Uncertain significance (1 of 4 stars; one submission).

Conditions:
Kabuki syndrome. Also called: NIIKAWA-KUROKI SYNDROME; Kabuki make-up syndrome. Identifiers: Orphanet 2322, MedGen C0796004, MONDO:0016512.

gnomAD v4.1: 1 of 1,598,446 alleles (0.000063%); highest among the groups gnomAD compares: African/African-American, 0.0013%; no homozygotes.

Submission:

Labcorp Genetics (formerly Invitae), Labcorp
Classification: Uncertain significance for Kabuki syndrome. Last evaluated: 2024-12-16. Review status: criteria provided, single submitter. Criteria: Invitae Variant Classification Sherloc (09022015). Collection method: clinical testing. Allele origin: germline.
Comment: This sequence change replaces phenylalanine, which is neutral and non-polar, with valine, which is neutral and non-polar, at codon 243 of the KMT2D protein (p.Phe243Val). This variant is not present in population databases (gnomAD no frequency). This variant has not been reported in the literature in individuals affected with KMT2D-related conditions. Invitae Evidence Modeling of protein sequence and biophysical properties (such as structural, functional, and spatial information, amino acid conservation, physicochemical variation, residue mobility, and thermodynamic stability) indicates that this missense variant is not expected to disrupt KMT2D protein function with a negative predictive value of 95%. In summary, the available evidence is currently insufficient to determine the role of this variant in disease. Therefore, it has been classified as a Variant of Uncertain Significance.